The following is an entry in ClinVar:

ClinVar aggregate classification (germline): Conflicting classifications of pathogenicity. Review status: criteria provided, conflicting classifications (1 of 4 stars). 2 submissions from 2 submitters: Uncertain significance (1); Likely benign (1). Last evaluated 2022-09-07.

Allele frequency attached by ClinVar (database versions not stated): ESP Exome Variant Server 0.00031; gnomAD 0.00038 and 0.00043; 1000 Genomes Project 30x 0.00078; 1000 Genomes Project 0.00080.
gnomAD v4.1: 118 of 1,613,248 alleles (0.0073%); highest among the groups gnomAD compares: African/African-American, 0.13%; no homozygotes.

Submissions (2):

Blueprint Genetics
Classification: Likely benign. Last evaluated: 2022-09-07. Review status: criteria provided, single submitter. Criteria: ACMG Guidelines, 2015. Collection method: clinical testing. Allele origin: germline.

Labcorp Genetics (formerly Invitae), Labcorp
Classification: Uncertain significance. Last evaluated: 2022-08-16. Review status: criteria provided, single submitter. Criteria: Invitae Variant Classification Sherloc (09022015). Collection method: clinical testing. Allele origin: germline.
Comment: This sequence change replaces arginine, which is basic and polar, with tryptophan, which is neutral and slightly polar, at codon 146 of the RAB28 protein (p.Arg146Trp). This variant is present in population databases (rs139395840, gnomAD 0.2%). This variant has not been reported in the literature in individuals affected with RAB28-related conditions. ClinVar contains an entry for this variant (Variation ID: 1403941). Algorithms developed to predict the effect of missense changes on protein structure and function are either unavailable or do not agree on the potential impact of this missense change (SIFT: "Deleterious"; PolyPhen-2: "Benign"; Align-GVGD: "Class C15"). In summary, the available evidence is currently insufficient to determine the role of this variant in disease. Therefore, it has been classified as a Variant of Uncertain Significance.

NM_001017979.3(RAB28):c.436C>T (p.Arg146Trp)

Gene: RAB28 (RAB28, member RAS oncogene family; minus strand). Cytogenetic location: 4p15.33.
Variant type: single nucleotide variant.
Coding change: c.436C>T on transcript NM_001017979.3 (MANE Select); coding-DNA position 436, C replaced by T.
Protein change: p.Arg146Trp; replaces arginine 146 with tryptophan.
Molecular consequence: missense variant.
Genome position (GRCh38, 1-based): chr4:13,381,550, G>A on the plus strand (C>T on the coding strand, the complement: RAB28 is on the minus strand). VCF-style: chr4-13381550-G-A. GRCh37 (hg19) VCF-style: chr4-13383174-G-A.
Other names: c.436C>T, p.Arg146Trp (NM_001159601.2, NM_004249.4); short protein forms R146W.
Identifiers: ClinVar variation 1403941 (VCV001403941.4), dbSNP rs139395840, ClinGen allele CA2860083.